The following is an entry in ClinVar:

ClinVar aggregate classification (germline): Benign/Likely benign. Review status: criteria provided, multiple submitters, no conflicts (2 of 4 stars). 2 submissions from 2 submitters: Benign (1); Likely benign (1). Last evaluated 2026-06-01.

Allele frequency attached by ClinVar (database versions not stated): gnomAD 0.00045 and 0.00048; 1000 Genomes Project 30x 0.00047; TOPMed 0.00054; ESP Exome Variant Server 0.00058; 1000 Genomes Project 0.00060.

Submissions (2):

CeGaT Center for Human Genetics Tuebingen
Classification: Likely benign. Last evaluated: 2026-06-01. Review status: criteria provided, single submitter. Criteria: CeGaT Center For Human Genetics Tuebingen Variant Classification Criteria Version 2. Collection method: clinical testing. Allele origin: germline. Affected: yes. Observed: 1 variant allele.
Comment: MAGEL2: BP4, BP7, BS1

Labcorp Genetics (formerly Invitae), Labcorp
Classification: Benign. Last evaluated: 2025-12-31. Review status: criteria provided, single submitter. Criteria: Invitae Variant Classification Sherloc (09022015). Collection method: clinical testing. Allele origin: germline.

NM_019066.5(MAGEL2):c.3474C>T (p.Thr1158=)

Gene: MAGEL2 (MAGE family member L2; minus strand). Cytogenetic location: 15q11.2.
Variant type: single nucleotide variant.
Coding change: c.3474C>T on transcript NM_019066.5 (MANE Select); coding-DNA position 3474, C replaced by T.
Protein change: p.Thr1158=; no amino-acid change (threonine 1158 retained).
Molecular consequence: synonymous variant.
Genome position (GRCh38, 1-based): chr15:23,644,269, G>A on the plus strand (C>T on the coding strand, the complement: MAGEL2 is on the minus strand). VCF-style: chr15-23644269-G-A. GRCh37 (hg19) VCF-style: chr15-23889416-G-A.
Identifiers: ClinVar variation 740556 (VCV000740556.11), dbSNP rs112299217, ClinGen allele CA7429689.